The following is an entry in ClinVar:

NM_001170535.3(ATAD3A):c.1623G>A (p.Ala541=)

Gene: ATAD3A (ATPase family AAA domain containing 3A; plus strand). Cytogenetic location: 1p36.33.
Variant type: single nucleotide variant.
Coding change: c.1623G>A on transcript NM_001170535.3 (MANE Select); coding-DNA position 1623, G replaced by A.
Protein change: p.Ala541=; no amino-acid change (alanine 541 retained).
Molecular consequence: synonymous variant.
Genome position (GRCh38, 1-based): chr1:1,533,934, G>A. VCF-style: chr1-1533934-G-A. GRCh37 (hg19) VCF-style: chr1-1469314-G-A.
Other names: c.1386G>A, p.Ala462= (NM_001170536.3); c.1767G>A, p.Ala589= (NM_018188.5).
Identifiers: ClinVar variation 2638041 (VCV002638041.25), dbSNP rs147003509, ClinGen allele CA526522.

ClinVar aggregate classification (germline): Likely benign. Review status: criteria provided, multiple submitters, no conflicts (2 of 4 stars). 2 submissions from 2 submitters: Likely benign (2). Last evaluated 2026-04-01.

Allele frequency attached by ClinVar (database versions not stated): gnomAD exomes 0.00014; gnomAD 0.00018; TOPMed 0.00019; 1000 Genomes Project 0.00020; ExAC 0.00021; 1000 Genomes Project 30x 0.00031; ESP Exome Variant Server 0.00031.
gnomAD v4.1: 234 of 1,612,958 alleles (0.015%); highest among the groups gnomAD compares: Middle Eastern, 0.033%; no homozygotes.

Submissions (2):

CeGaT Center for Human Genetics Tuebingen
Classification: Likely benign. Last evaluated: 2026-04-01. Review status: criteria provided, single submitter. Criteria: CeGaT Center For Human Genetics Tuebingen Variant Classification Criteria Version 2. Collection method: clinical testing. Allele origin: germline. Affected: yes. Observed: 4 variant alleles.
Comment: ATAD3A: BP4, BP7

Blueprint Genetics
Classification: Likely benign. Last evaluated: 2024-09-12. Review status: criteria provided, single submitter. Criteria: ACMG Guidelines, 2015. Collection method: clinical testing. Allele origin: germline.